The following is an entry in ClinVar:

NM_020975.6(RET):c.2090T>A (p.Leu697Gln)

Gene: RET (ret proto-oncogene; plus strand). Cytogenetic location: 10q11.21.
Variant type: single nucleotide variant.
Coding change: c.2090T>A on transcript NM_020975.6 (MANE Select); coding-DNA position 2090, T replaced by A.
Protein change: p.Leu697Gln; replaces leucine 697 with glutamine.
Molecular consequence: missense variant.
Genome position (GRCh38, 1-based): chr10:43,114,690, T>A. VCF-style: chr10-43114690-T-A. GRCh37 (hg19) VCF-style: chr10-43610138-T-A.
Other names: c.2090T>A, p.Leu697Gln (NM_000323.2, NM_001406743.1, NM_001406744.1 and 4 more transcripts); c.1328T>A, p.Leu443Gln (NM_001355216.2); c.1961T>A, p.Leu654Gln (NM_001406761.1, NM_001406762.1, NM_001406764.1); c.1955T>A, p.Leu652Gln (NM_001406763.1, NM_001406765.1); c.1802T>A, p.Leu601Gln (NM_001406766.1, NM_001406767.1, NM_001406770.1); c.1826T>A, p.Leu609Gln (NM_001406768.1); c.1694T>A, p.Leu565Gln (NM_001406769.1, NM_001406772.1); c.1652T>A, p.Leu551Gln (NM_001406771.1, NM_001406773.1); and 10 more; short protein forms L443Q, L697Q, L262Q, L302Q, L398Q, L522Q, L565Q, L358Q.
Identifiers: ClinVar variation 651368 (VCV000651368.18), dbSNP rs1293039001, ClinGen allele CA376553285.

ClinVar aggregate classification (germline): Uncertain significance. Review status: criteria provided, multiple submitters, no conflicts (2 of 4 stars). 5 submissions from 5 submitters: Uncertain significance (5). Last evaluated 2025-11-19.

Conditions:
Hereditary cancer-predisposing syndrome. Also called: Neoplastic Syndromes, Hereditary; Tumor predisposition; Hereditary Cancer Syndrome; Hereditary neoplastic syndrome. Identifiers: Orphanet 140162, MedGen C0027672, MeSH D009386, MONDO:0015356.
Multiple endocrine neoplasia, type 2 (MEN2). Identifiers: Orphanet 653, MedGen C4048306, MONDO:0019003. Disease mechanism: gain of function.

Allele frequency attached by ClinVar (database versions not stated): gnomAD exomes below 0.00001; TOPMed below 0.00001; gnomAD 0.00001.
gnomAD v4.1: 3 of 1,612,166 alleles (0.00019%); highest among the groups gnomAD compares: Non-Finnish European, 0.00025%; no homozygotes.

Submissions (5):

Labcorp Genetics (formerly Invitae), Labcorp
Classification: Uncertain significance for Multiple endocrine neoplasia, type 2. Last evaluated: 2025-11-19. Review status: criteria provided, single submitter. Criteria: Invitae Variant Classification Sherloc (09022015). Collection method: clinical testing. Allele origin: germline.
Comment: This sequence change replaces leucine, which is neutral and non-polar, with glutamine, which is neutral and polar, at codon 697 of the RET protein (p.Leu697Gln). This variant is not present in population databases (gnomAD no frequency). This variant has not been reported in the literature in individuals affected with RET-related conditions. ClinVar contains an entry for this variant (Variation ID: 651368). An algorithm developed to predict the effect of missense changes on protein structure and function (PolyPhen-2) suggests that this variant is likely to be disruptive. In summary, the available evidence is currently insufficient to determine the role of this variant in disease. Therefore, it has been classified as a Variant of Uncertain Significance.

GeneDx
Classification: Uncertain significance. Last evaluated: 2025-06-27. Review status: criteria provided, single submitter. Criteria: GeneDx Variant Classification Process June 2021. Collection method: clinical testing. Allele origin: germline. Affected: yes.
Comment: Not observed at significant frequency in large population cohorts (gnomAD); In silico analysis suggests that this missense variant does not alter protein structure/function; Has not been previously published as pathogenic or benign to our knowledge; This variant is associated with the following publications: (PMID: 14633923)

Quest Diagnostics Nichols Institute San Juan Capistrano
Classification: Uncertain significance. Last evaluated: 2025-02-26. Review status: criteria provided, single submitter. Criteria: Quest Diagnostics criteria. Collection method: clinical testing. Allele origin: unknown.

Ambry Genetics
Classification: Uncertain significance for Hereditary cancer-predisposing syndrome. Last evaluated: 2024-12-07. Review status: criteria provided, single submitter. Criteria: Ambry Variant Classification Scheme 2023. Collection method: clinical testing. Allele origin: germline.
Comment: The p.L697Q variant (also known as c.2090T>A), located in coding exon 11 of the RET gene, results from a T to A substitution at nucleotide position 2090. The leucine at codon 697 is replaced by glutamine, an amino acid with dissimilar properties. This amino acid position is conserved. In addition, this alteration is predicted to be tolerated by in silico analysis. Since supporting evidence is limited at this time, the clinical significance of this alteration remains unclear.

All of Us Research Program, National Institutes of Health
Classification: Uncertain significance for Multiple endocrine neoplasia, type 2. Last evaluated: 2023-11-30. Review status: criteria provided, single submitter. Criteria: ACMG Guidelines, 2015. Collection method: clinical testing. Allele origin: germline. Inheritance: Autosomal dominant inheritance. Observed: 4 variant alleles, 4 heterozygotes.
Comment: This missense variant replaces leucine with glutamine at codon 697 of the RET protein. Computational prediction suggests that this variant may not impact protein structure and function (internally defined REVEL score threshold <= 0.5, PMID: 27666373). To our knowledge, functional studies have not been reported for this variant. This variant has not been reported in individuals affected with hereditary cancer in the literature. This variant has not been identified in the general population by the Genome Aggregation Database (gnomAD). The available evidence is insufficient to determine the role of this variant in disease conclusively. Therefore, this variant is classified as a Variant of Uncertain Significance.

This study involves interpretation of variants in research participants for the purpose of population health screening. Participant phenotype was not available at the time of variant classification. Additional details can be found in publication PMID: 35346344, PMCID: PMC8962531